The following is an entry in ClinVar:

NM_024675.4(PALB2):c.2634A>G (p.Glu878=)

Gene: PALB2 (partner and localizer of BRCA2; minus strand). Cytogenetic location: 16p12.2.
Variant type: single nucleotide variant.
Coding change: c.2634A>G on transcript NM_024675.4 (MANE Select); coding-DNA position 2634, A replaced by G.
Protein change: p.Glu878=; no amino-acid change (glutamic acid 878 retained).
Molecular consequence: synonymous variant. On other transcripts: intron variant (3).
Genome position (GRCh38, 1-based): chr16:23,626,350, T>C on the plus strand (A>G on the coding strand, the complement: PALB2 is on the minus strand). VCF-style: chr16-23626350-T-C. GRCh37 (hg19) VCF-style: chr16-23637671-T-C.
Other names: c.2574A>G, p.Glu858= (NM_001407296.1); c.2562A>G, p.Glu854= (NM_001407297.1); c.2634A>G, p.Glu878= (NM_001407299.1, NM_001407300.1, NM_001407301.1); c.1749A>G, p.Glu583= (NM_001407304.1, NM_001407305.1, NM_001407306.1 and 4 more transcripts); c.846A>G, p.Glu282= (NM_001407312.1, NM_001407313.1); c.168A>G, p.Glu56= (NM_001407314.1); c.2587-2256A>G (NM_001407302.1, NM_001407298.1); c.1702-2256A>G (NM_001407307.1).
Identifiers: ClinVar variation 3885203 (VCV003885203.2).

ClinVar aggregate classification (germline): Benign/Likely benign. Review status: criteria provided, multiple submitters, no conflicts (2 of 4 stars). 2 submissions from 2 submitters: Benign (1); Likely benign (1). Last evaluated 2025-01-17.

Conditions:
Hereditary cancer-predisposing syndrome. Also called: Tumor predisposition; Neoplastic Syndromes, Hereditary; Hereditary Cancer Syndrome; Hereditary neoplastic syndrome. Identifiers: Orphanet 140162, MedGen C0027672, MeSH D009386, MONDO:0015356.
Familial cancer of breast. Also called: hereditary breast carcinoma; Hereditary breast cancer; BREAST CANCER, FAMILIAL. Identifiers: Orphanet 227535, MedGen C0346153, MONDO:0016419, OMIM 114480. Disease mechanism: loss of function.

Submissions (2):

Myriad Genetics, Inc.
Classification: Benign for Familial cancer of breast. Last evaluated: 2025-01-17. Review status: criteria provided, single submitter. Criteria: Myriad Autosomal Dominant, Autosomal Recessive and X-Linked Classification Criteria (2023). Collection method: clinical testing. Allele origin: unknown.
Comment: This variant is considered benign. This variant is a silent/synonymous amino acid change and it is not expected to impact splicing.

Ambry Genetics
Classification: Likely benign for Hereditary cancer-predisposing syndrome. Last evaluated: 2025-01-10. Review status: criteria provided, single submitter. Criteria: Ambry Variant Classification Scheme 2023. Collection method: clinical testing. Allele origin: germline.